The following is an entry in ClinVar:

NM_001008537.3(NEXMIF):c.139A>G (p.Ile47Val)

Gene: NEXMIF (neurite extension and migration factor; minus strand). Cytogenetic location: Xq13.3.
Variant type: single nucleotide variant.
Coding change: c.139A>G on transcript NM_001008537.3 (MANE Select); coding-DNA position 139, A replaced by G.
Protein change: p.Ile47Val; replaces isoleucine 47 with valine.
Molecular consequence: missense variant.
Genome position (GRCh38, 1-based): chrX:74,744,418, T>C on the plus strand (A>G on the coding strand, the complement: NEXMIF is on the minus strand). VCF-style: chrX-74744418-T-C. GRCh37 (hg19) VCF-style: chrX-73964253-T-C.
Other names: short protein forms I47V.
Identifiers: ClinVar variation 589928 (VCV000589928.5), dbSNP rs774834561, ClinGen allele CA10455250.

ClinVar aggregate classification (germline): Uncertain significance (1 of 4 stars; one submission).

Allele frequency attached by ClinVar (database versions not stated): gnomAD exomes 0.00001 and 0.00002; ExAC 0.00003.
gnomAD v4.1: 25 of 1,209,269 alleles (0.0021%); highest among the groups gnomAD compares: Non-Finnish European, 0.0028%; no homozygotes.

Submission:

Ambry Genetics
Classification: Uncertain significance. Last evaluated: 2016-09-23. Review status: criteria provided, single submitter. Criteria: Ambry Variant Classification Scheme 2023. Collection method: clinical testing. Allele origin: germline.
Comment: The p.I47V variant (also known as c.139A>G), located in coding exon 2 of the KIAA2022 gene, results from an A to G substitution at nucleotide position 139. The isoleucine at codon 47 is replaced by valine, an amino acid with highly similar properties. This variant was not reported in population based cohorts in the following databases: Database of Single Nucleotide Polymorphisms (dbSNP), NHLBI Exome Sequencing Project (ESP), and 1000 Genomes Project. In the ESP, this variant was not observed in 6503 samples with coverage at this position. This amino acid position is not well conserved in available vertebrate species. In addition, this alteration is predicted to be tolerated by in silico analysis. Since supporting evidence is limited at this time, the clinical significance of this alteration remains unclear.